The following is an entry in ClinVar:

NM_007254.4(PNKP):c.499-9T>C

Gene: PNKP (polynucleotide kinase 3'-phosphatase; minus strand). Cytogenetic location: 19q13.33.
Variant type: single nucleotide variant.
Coding change: c.499-9T>C on transcript NM_007254.4 (MANE Select); 9 bases into the intron before coding-DNA position 499, T replaced by C.
Molecular consequence: intron variant.
Genome position (GRCh38, 1-based): chr19:49,864,412, A>G on the plus strand (T>C on the coding strand, the complement: PNKP is on the minus strand). VCF-style: chr19-49864412-A-G. GRCh37 (hg19) VCF-style: chr19-50367669-A-G.
Other names: c.499-9T>C (NM_007254.3).
Identifiers: ClinVar variation 2858197 (VCV002858197.5), dbSNP rs1220889060, ClinGen allele CA508296792.
Genomic context (GRCh38, chr19:49,864,412, plus strand): 5'-CCTTCCCAGAGCGTGTGGTGATGAGCGTCCCGTCCAGATCAAAGCCAGCCACCTGGTGTC[A>G]CCAAGGAAAGACAAACAGCAGCACTGTGATACCTCTGACCCTCCTCACTCACAGGCTGAC-3'

ClinVar aggregate classification (germline): Likely benign. Review status: criteria provided, single submitter (1 of 4 stars). 2 submissions from 2 submitters: Likely benign (1). 1 of the submissions does not count toward it. Last evaluated 2022-12-31.

Conditions:
Developmental and epileptic encephalopathy, 12 (DEE12). Identifiers: MedGen C3150988, MONDO:0013389, OMIM 613722.
PNKP-related disorder. Also called: PNKP-related disorders; PNKP-related condition.

Allele frequency attached by ClinVar (database versions not stated): gnomAD 0.00001; gnomAD exomes 0.00001.
gnomAD v4.1: 15 of 1,610,004 alleles (0.00093%); highest among the groups gnomAD compares: Admixed American, 0.0033%; no homozygotes.

Submissions (2):

Labcorp Genetics (formerly Invitae), Labcorp
Classification: Likely benign for Developmental and epileptic encephalopathy, 12. Last evaluated: 2022-12-31. Review status: criteria provided, single submitter. Criteria: Invitae Variant Classification Sherloc (09022015). Collection method: clinical testing. Allele origin: germline.

PreventionGenetics, part of Exact Sciences
Classification: Likely benign for PNKP-related condition. Last evaluated: 2019-08-19. Review status: no assertion criteria provided. Collection method: clinical testing. Allele origin: germline. Not counted in ClinVar's aggregate classification.
Comment: This variant is classified as likely benign based on ACMG/AMP sequence variant interpretation guidelines (Richards et al. 2015 PMID: 25741868, with internal and published modifications).